The following is an entry in ClinVar:

NM_001105669.4(TTC24):c.92G>A (p.Arg31Gln)

Gene: TTC24 (tetratricopeptide repeat domain 24; plus strand). Cytogenetic location: 1q22.
Variant type: single nucleotide variant.
Coding change: c.92G>A on transcript NM_001105669.4 (MANE Select); coding-DNA position 92, G replaced by A.
Protein change: p.Arg31Gln; replaces arginine 31 with glutamine.
Molecular consequence: missense variant.
Genome position (GRCh38, 1-based): chr1:156,581,456, G>A. VCF-style: chr1-156581456-G-A. GRCh37 (hg19) VCF-style: chr1-156551248-G-A.
Other names: short protein forms R31Q.
Identifiers: ClinVar variation 3904861 (VCV003904861.10).

ClinVar aggregate classification (germline): Benign (1 of 4 stars; one submission).

gnomAD v4.1: 11,997 of 1,550,498 alleles (0.77%); highest among the groups gnomAD compares: Middle Eastern, 3.5%; 80 homozygotes.

Submission:

CeGaT Center for Human Genetics Tuebingen
Classification: Benign. Last evaluated: 2025-05-01. Review status: criteria provided, single submitter. Criteria: CeGaT Center For Human Genetics Tuebingen Variant Classification Criteria Version 2. Collection method: clinical testing. Allele origin: germline. Affected: yes. Observed: 1 variant allele.
Comment: TTC24: BP4, BS1, BS2